The following is an entry in ClinVar:

NM_001761.3(CCNF):c.1056C>T (p.Leu352=)

Gene: CCNF (cyclin F; plus strand). Cytogenetic location: 16p13.3.
Variant type: single nucleotide variant.
Coding change: c.1056C>T on transcript NM_001761.3 (MANE Select); coding-DNA position 1056, C replaced by T.
Protein change: p.Leu352=; no amino-acid change (leucine 352 retained).
Molecular consequence: synonymous variant.
Genome position (GRCh38, 1-based): chr16:2,445,584, C>T. VCF-style: chr16-2445584-C-T. GRCh37 (hg19) VCF-style: chr16-2495585-C-T.
Other names: c.132C>T, p.Leu44= (NM_001323538.2).
Identifiers: ClinVar variation 3044570 (VCV003044570.2), dbSNP rs2141824569, ClinGen allele CA493130541.

ClinVar aggregate classification (germline): Likely benign (0 of 4 stars; one submission).

Conditions:
CCNF-related disorder. Also called: CCNF-related condition.

Allele frequency attached by ClinVar (database versions not stated): gnomAD exomes below 0.00001.
gnomAD v4.1: 2 of 1,613,614 alleles (0.00012%); highest among the groups gnomAD compares: Non-Finnish European, 0.00017%; no homozygotes.

Submission:

PreventionGenetics, part of Exact Sciences
Classification: Likely benign for CCNF-related condition. Last evaluated: 2019-06-04. Review status: no assertion criteria provided. Collection method: clinical testing. Allele origin: germline.
Comment: This variant is classified as likely benign based on ACMG/AMP sequence variant interpretation guidelines (Richards et al. 2015 PMID: 25741868, with internal and published modifications).